The following is an entry in ClinVar:

NM_001017995.3(SH3PXD2B):c.2117C>G (p.Pro706Arg)

Gene: SH3PXD2B (SH3 and PX domains 2B; minus strand). Cytogenetic location: 5q35.1.
Variant type: single nucleotide variant.
Coding change: c.2117C>G on transcript NM_001017995.3 (MANE Select); coding-DNA position 2117, C replaced by G.
Protein change: p.Pro706Arg; replaces proline 706 with arginine.
Molecular consequence: missense variant. On other transcripts: intron variant (1).
Genome position (GRCh38, 1-based): chr5:172,338,988, G>C on the plus strand (C>G on the coding strand, the complement: SH3PXD2B is on the minus strand). VCF-style: chr5-172338988-G-C. GRCh37 (hg19) VCF-style: chr5-171765992-G-C.
Other names: c.1188+7148C>G (NM_001308175.2); short protein forms P706R.
Identifiers: ClinVar variation 2005269 (VCV002005269.4), dbSNP rs1581258624, ClinGen allele CA362146272.
Genomic context (GRCh38, chr5:172,338,988, plus strand): 5'-CAGGAAATCTCTTTTGGGCTGAGACCATCCTGTTTGCCCGTCCTGTCCTGGGCGCGGCCA[G>C]GCCCCTCTCCTGGGAGGAAGCTTCGGCTGAAGGCCACGTCTTGGCCCCCTACTGCCTGGG-3'
Protein context (NP_001017995.1, residues 696-716): FSRSFLPGEG[Pro706Arg]GRAQDRTGKQ

ClinVar aggregate classification (germline): Uncertain significance (1 of 4 stars; one submission).

Submission:

Labcorp Genetics (formerly Invitae), Labcorp
Classification: Uncertain significance. Last evaluated: 2024-10-07. Review status: criteria provided, single submitter. Criteria: Invitae Variant Classification Sherloc (09022015). Collection method: clinical testing. Allele origin: germline.
Comment: This sequence change replaces proline, which is neutral and non-polar, with arginine, which is basic and polar, at codon 706 of the SH3PXD2B protein (p.Pro706Arg). This variant is not present in population databases (gnomAD no frequency). This variant has not been reported in the literature in individuals affected with SH3PXD2B-related conditions. ClinVar contains an entry for this variant (Variation ID: 2005269). An algorithm developed to predict the effect of missense changes on protein structure and function (PolyPhen-2) suggests that this variant is likely to be tolerated. In summary, the available evidence is currently insufficient to determine the role of this variant in disease. Therefore, it has been classified as a Variant of Uncertain Significance.